The following is an entry in ClinVar:

NM_000439.5(PCSK1):c.1764G>A (p.Lys588=)

Genes: CAST (calpastatin; plus strand), PCSK1 (proprotein convertase subtilisin/kexin type 1; minus strand), LOC101929710 (uncharacterized LOC101929710; plus strand). Cytogenetic location: 5q15.
Variant type: single nucleotide variant.
Coding change: c.1764G>A on transcript NM_000439.5 (MANE Select); coding-DNA position 1764, G replaced by A.
Protein change: p.Lys588=; no amino-acid change (lysine 588 retained).
Molecular consequence: synonymous variant.
Genome position (GRCh38, 1-based): chr5:96,394,984, C>T on the plus strand (G>A on the coding strand, the complement: PCSK1 is on the minus strand). VCF-style: chr5-96394984-C-T. GRCh37 (hg19) VCF-style: chr5-95730688-C-T.
Other names: c.1623G>A, p.Lys541= (NM_001177875.2).
Identifiers: ClinVar variation 354642 (VCV000354642.10), dbSNP rs538803955, ClinGen allele CA3350138.

ClinVar aggregate classification (germline): Uncertain significance. Review status: criteria provided, single submitter (1 of 4 stars). 4 submissions from 4 submitters: Uncertain significance (1). 3 of the submissions do not count toward it.

Conditions:
PCSK1-related disorder. Also called: PCSK1-related condition.

Allele frequency attached by ClinVar (database versions not stated): ExAC 0.00002; TOPMed 0.00004; gnomAD 0.00005 and 0.00006; gnomAD exomes 0.00005 and 0.00007.
gnomAD v4.1: 114 of 1,613,902 alleles (0.0071%); highest among the groups gnomAD compares: Non-Finnish European, 0.0095%; no homozygotes.

Submissions (4):

Breakthrough Genomics
Classification: Uncertain significance. Review status: criteria provided, single submitter. Criteria: ACMG Guidelines, 2015. Collection method: not provided. Allele origin: germline. Inheritance: Autosomal recessive inheritance. Affected: yes.

PreventionGenetics, part of Exact Sciences
Classification: Likely benign for PCSK1-related condition. Last evaluated: 2022-02-07. Review status: no assertion criteria provided. Collection method: clinical testing. Allele origin: germline. Not counted in ClinVar's aggregate classification.
Comment: This variant is classified as likely benign based on ACMG/AMP sequence variant interpretation guidelines (Richards et al. 2015 PMID: 25741868, with internal and published modifications).

Clinical Genetics, Academic Medical Center
Classification: Benign. Review status: no assertion criteria provided. Collection method: clinical testing. Allele origin: germline. Affected: yes. Study: VKGL Data-share Consensus. Not counted in ClinVar's aggregate classification.

Genome Diagnostics Laboratory, University Medical Center Utrecht
Classification: Likely benign. Review status: no assertion criteria provided. Collection method: clinical testing. Allele origin: germline. Affected: yes. Study: VKGL Data-share Consensus. Not counted in ClinVar's aggregate classification.